The following is an entry in ClinVar:

NM_017514.5(PLXNA3):c.803G>A (p.Gly268Glu)

Gene: PLXNA3 (plexin A3; plus strand). Cytogenetic location: Xq28.
Variant type: single nucleotide variant.
Coding change: c.803G>A on transcript NM_017514.5 (MANE Select); coding-DNA position 803, G replaced by A.
Protein change: p.Gly268Glu; replaces glycine 268 with glutamic acid.
Molecular consequence: missense variant.
Genome position (GRCh38, 1-based): chrX:154,461,307, G>A. VCF-style: chrX-154461307-G-A. GRCh37 (hg19) VCF-style: chrX-153689647-G-A.
Other names: short protein forms G268E.
Identifiers: ClinVar variation 3344906 (VCV003344906.1).

ClinVar aggregate classification (germline): Uncertain significance (0 of 4 stars; one submission).

Conditions:
PLXNA3-related disorder. Also called: PLXNA3-related condition.

gnomAD v4.1: 1 of 1,212,317 alleles (0.000082%); highest among the groups gnomAD compares: Admixed American, 0.0022%; no homozygotes.

Submission:

PreventionGenetics, part of Exact Sciences
Classification: Uncertain significance for PLXNA3-related condition. Last evaluated: 2024-04-05. Review status: no assertion criteria provided. Collection method: clinical testing. Allele origin: germline.
Comment: The PLXNA3 c.803G>A variant is predicted to result in the amino acid substitution p.Gly268Glu. To our knowledge, this variant has not been reported in the literature. This variant is reported in 0.0036% of alleles in individuals of Latino descent in gnomAD. At this time, the clinical significance of this variant is uncertain due to the absence of conclusive functional and genetic evidence.